The following is an entry in ClinVar:

ClinVar aggregate classification (germline): Likely benign (1 of 4 stars; one submission).

Allele frequency attached by ClinVar (database versions not stated): gnomAD 0.00001.

Submission:

CeGaT Center for Human Genetics Tuebingen
Classification: Likely benign. Last evaluated: 2024-02-01. Review status: criteria provided, single submitter. Criteria: CeGaT Center For Human Genetics Tuebingen Variant Classification Criteria Version 2. Collection method: clinical testing. Allele origin: germline. Affected: yes. Observed: 1 variant allele.
Comment: CACNA1C: BP4, BP7

NM_000719.7(CACNA1C):c.1473C>T (p.Ala491=)

Gene: CACNA1C (calcium voltage-gated channel subunit alpha1 C; plus strand). Cytogenetic location: 12p13.33.
Variant type: single nucleotide variant.
Coding change: c.1473C>T on transcript NM_000719.7 (MANE Select); coding-DNA position 1473, C replaced by T.
Protein change: p.Ala491=; no amino-acid change (alanine 491 retained).
Molecular consequence: synonymous variant.
Genome position (GRCh38, 1-based): chr12:2,550,025, C>T. VCF-style: chr12-2550025-C-T. GRCh37 (hg19) VCF-style: chr12-2659191-C-T.
Other names: c.1473C>T, p.Ala491= (NM_001129827.2, NM_001129829.2, NM_001129830.3 and 18 more transcripts); c.1464C>T, p.Ala488= (NM_001129844.2).
Identifiers: ClinVar variation 3026161 (VCV003026161.22), dbSNP rs1247737088, ClinGen allele CA477882113.
Genomic context (GRCh38, chr12:2,550,025, plus strand): 5'-CGAGTCCGTCAACACCGAAAACGTGGCTGGAGGTGACATCGAGGGAGAAAACTGCGGGGC[C>T]AGGCTGGCGTGAGTAGGCACGGCGAGCCCAGGGGCTGGGGCTTTTTCTGGAGCATGGGTG-3'
Protein context (NP_000710.5, residues 481-501): GGDIEGENCG[Ala491=]RLAHRISKSK